The following is an entry in ClinVar:

NM_000455.5(STK11):c.930del (p.Lys311fs)

Gene: STK11 (serine/threonine kinase 11; plus strand). Cytogenetic location: 19p13.3.
Variant type: Deletion.
Coding change: c.930del on transcript NM_000455.5 (MANE Select); coding-DNA position 930, one base deleted (G; older notation c.930delG).
Protein change: p.Lys311fs; shifts the reading frame from lysine 311.
Molecular consequence: frameshift variant.
Genome position (GRCh38, 1-based): chr19:1,222,994, G deleted; the last of 2 consecutive G bases (chr19:1,222,993-1,222,994); deleting either gives the same sequence. VCF-style (leftmost placement, unchanged base first): chr19-1222992-CG-C. GRCh37 (hg19) VCF-style: chr19-1222991-CG-C.
Other names: short protein forms K311fs.
Identifiers: ClinVar variation 801287 (VCV000801287.2), dbSNP rs1599929264, ClinGen allele CA915951598.

ClinVar aggregate classification (germline): Pathogenic (1 of 4 stars; one submission).

Submission:

Quest Diagnostics Nichols Institute San Juan Capistrano
Classification: Pathogenic. Last evaluated: 2019-06-07. Review status: criteria provided, single submitter. Criteria: Quest Diagnostics criteria. Collection method: clinical testing. Allele origin: germline.
Comment: The variant results in a shift of the reading frame, and is therefore predicted to result in the loss of a functional protein. Found in at least one symptomatic patient, and not found in general population data.